The following is an entry in ClinVar:

NM_000159.4(GCDH):c.1132G>A (p.Ala378Thr)

Gene: GCDH (glutaryl-CoA dehydrogenase; plus strand). Cytogenetic location: 19p13.13.
Variant type: single nucleotide variant.
Coding change: c.1132G>A on transcript NM_000159.4 (MANE Select); coding-DNA position 1132, G replaced by A.
Protein change: p.Ala378Thr; replaces alanine 378 with threonine.
Molecular consequence: missense variant. On other transcripts: non-coding transcript variant (2).
Genome position (GRCh38, 1-based): chr19:12,897,752, G>A. VCF-style: chr19-12897752-G-A. GRCh37 (hg19) VCF-style: chr19-13008566-G-A.
Other names: c.1132G>A, p.Ala378Thr (NM_013976.5); short protein forms A378T.
Identifiers: ClinVar variation 1464926 (VCV001464926.9), dbSNP rs1442597198, ClinGen allele CA404321429.

ClinVar aggregate classification (germline): Conflicting classifications of pathogenicity. Review status: criteria provided, conflicting classifications (1 of 4 stars). 3 submissions from 3 submitters: Likely pathogenic (2); Uncertain significance (1). Last evaluated 2025-07-25.

Conditions:
Glutaric aciduria, type 1. Also called: Glutaric Acidemia Type 1; GA I; Glutaric acidemia type I; Glutaryl-CoA dehydrogenase deficiency; Glutaricacidemia Type 1; Glutaricaciduria, type I. Identifiers: Orphanet 25, MedGen C0268595, MONDO:0009281, OMIM 231670.

Allele frequency attached by ClinVar (database versions not stated): gnomAD exomes below 0.00001; TOPMed below 0.00001.

Submissions (3):

Women's Health and Genetics/Laboratory Corporation of America, LabCorp
Classification: Uncertain significance. Last evaluated: 2025-07-25. Review status: criteria provided, single submitter. Criteria: LabCorp Variant Classification Summary - May 2015. Collection method: clinical testing. Allele origin: germline.
Comment: Variant summary: GCDH c.1132G>A (p.Ala378Thr) results in a non-conservative amino acid change located in the Acyl-CoA dehydrogenase/oxidase, C-terminal (IPR009075) of the encoded protein sequence. Algorithms developed to predict the effect of missense changes on protein structure and function all suggest that this variant is likely to be disruptive. The variant was absent in 251472 control chromosomes. c.1132G>A has been observed in the compound heterozygous state in at least one individual affected with Glutaric Acidemia Type 1 (Tibelius_2023). These data do not allow any conclusion about variant significance. To our knowledge, no experimental evidence demonstrating an impact on protein function has been reported. A different variant affecting the same codon has been classified as pathogenic by our lab (c.1133C>T; p.Ala378Val)), supporting the critical relevance of codon 378 to GCDH protein function. The following publication have been ascertained in the context of this evaluation (PMID: 38137040). ClinVar contains an entry for this variant (Variation ID: 1464926). Based on the evidence outlined above, the variant was classified as VUS-possibly pathogenic.

Fulgent Genetics
Classification: Likely pathogenic for Glutaric aciduria, type 1. Last evaluated: 2024-05-09. Review status: criteria provided, single submitter. Criteria: ACMG Guidelines, 2015. Collection method: clinical testing. Allele origin: germline.

Labcorp Genetics (formerly Invitae), Labcorp
Classification: Likely pathogenic for Glutaric aciduria, type 1. Last evaluated: 2021-10-19. Review status: criteria provided, single submitter. Criteria: Invitae Variant Classification Sherloc (09022015). Collection method: clinical testing. Allele origin: germline.
Comment: This variant is not present in population databases (ExAC no frequency). In summary, the currently available evidence indicates that the variant is pathogenic, but additional data are needed to prove that conclusively. Therefore, this variant has been classified as Likely Pathogenic. This variant disrupts the p.Ala378 amino acid residue in GCDH. Other variant(s) that disrupt this residue have been determined to be pathogenic (PMID: 29665094, 30512148; Invitae). This suggests that this residue is clinically significant, and that variants that disrupt this residue are likely to be disease-causing. Advanced modeling of protein sequence and biophysical properties (such as structural, functional, and spatial information, amino acid conservation, physicochemical variation, residue mobility, and thermodynamic stability) performed at Invitae indicates that this missense variant is expected to disrupt GCDH protein function. This variant has not been reported in the literature in individuals affected with GCDH-related conditions. This sequence change replaces alanine with threonine at codon 378 of the GCDH protein (p.Ala378Thr). The alanine residue is highly conserved and there is a small physicochemical difference between alanine and threonine.

Literature cited by the submitters: PubMed 38137040 (cited by Women's Health and Genetics/Laboratory Corporation of America, LabCorp); PubMed 29665094 (cited by Labcorp Genetics (formerly Invitae), Labcorp); PubMed 30512148 (cited by Labcorp Genetics (formerly Invitae), Labcorp).